The following is an entry in ClinVar:

NM_001128159.3(VPS53):c.594del (p.Gln199fs)

Gene: VPS53 (VPS53 subunit of GARP complex; minus strand). Cytogenetic location: 17p13.3.
Variant type: Deletion.
Coding change: c.594del on transcript NM_001128159.3 (MANE Select); coding-DNA position 594, one base deleted (G; older notation c.594delG).
Protein change: p.Gln199fs; shifts the reading frame from glutamine 199.
Molecular consequence: frameshift variant. On other transcripts: 5 prime UTR variant (1).
Genome position (GRCh38, 1-based): chr17:653,305, C deleted on the plus strand (G on the coding strand, the reverse complement: VPS53 is on the minus strand); the first of 2 consecutive C bases (chr17:653,305-653,306); deleting either gives the same sequence. VCF-style (leftmost placement, unchanged base first): chr17-653304-GC-G. GRCh37 (hg19) VCF-style: chr17-556544-GC-G.
Other names: c.594delG (NM_001128159.3); c.594del, p.Gln199fs (NM_001366253.2); c.-99del (NM_001366254.2); c.507del, p.Gln170fs (NM_018289.4); short protein forms Q170fs, Q199fs.
Identifiers: ClinVar variation 1722367 (VCV001722367.2), dbSNP rs2544252374, ClinGen allele CA2580093504.

ClinVar aggregate classification (germline): Uncertain significance (1 of 4 stars; one submission).

Submission:

Women's Health and Genetics/Laboratory Corporation of America, LabCorp
Classification: Uncertain significance. Last evaluated: 2025-07-25. Review status: criteria provided, single submitter. Criteria: LabCorp Variant Classification Summary - May 2015. Collection method: clinical testing. Allele origin: germline.
Comment: Variant summary: VPS53 c.594delG (p.Gln199SerfsX6) results in a premature termination codon, predicted to cause absence of the protein due to nonsense mediated decay, however current evidence is not sufficient to establish loss of function as a mechanism for disease. The variant was absent in 251462 control chromosomes (gnomAD). The available data on variant occurrences in the general population are insufficient to allow any conclusion about variant significance. To our knowledge, no occurrence of c.594delG in individuals affected with Pontocerebellar Hypoplasia, Type 2E and no experimental evidence demonstrating its impact on protein function have been reported. ClinVar contains an entry for this variant (Variation ID: 1722367). Based on the evidence outlined above, the variant was classified as uncertain significance.